The following is an entry in ClinVar:

ClinVar aggregate classification (germline): Uncertain significance. Review status: criteria provided, multiple submitters, no conflicts (2 of 4 stars). 6 submissions from 6 submitters: Uncertain significance (5). 1 of the submissions does not count toward it. Last evaluated 2025-11-17.

Conditions:
Hereditary cancer-predisposing syndrome. Also called: Tumor predisposition; Hereditary neoplastic syndrome; Hereditary Cancer Syndrome; Neoplastic Syndromes, Hereditary. Identifiers: Orphanet 140162, MedGen C0027672, MeSH D009386, MONDO:0015356.
ATM-related cancer predisposition. Also called: ATM-related cancer susceptibility. Identifiers: MedGen CN377759, MONDO:0700270.
Ataxia-telangiectasia syndrome (AT). Also called: Ataxia telangiectasia (A-T); Ataxia-telangiectasia, complementation group E; ATAXIA-TELANGIECTASIA, COMPLEMENTATION GROUP A; ATAXIA-TELANGIECTASIA, FRESNO VARIANT; Ataxia-telangiectasia; Cerebello-oculocutaneous telangiectasia. Identifiers: Orphanet 100, MedGen C0004135, MONDO:0008840, OMIM 208900.

Allele frequency attached by ClinVar (database versions not stated): gnomAD exomes below 0.00001; ExAC 0.00001; gnomAD 0.00001.
gnomAD v4.1: 3 of 1,613,430 alleles (0.00019%); highest among the groups gnomAD compares: South Asian, 0.0022%; no homozygotes.

Submissions (6):

Dasa
Classification: Uncertain significance for ATM-related cancer predisposition. Last evaluated: 2025-11-17. Review status: criteria provided, single submitter. Criteria: DASA Assertion Criteria. Collection method: clinical testing. Allele origin: germline.
Comment: NM_000051.4(ATM):c.4151A>G (p.His1384Arg) is a missense variant that results in the substitution of histidine with arginine. This variant is rare in population databases. Computational prediction algorithms are consistent with a benign effect. The currently available literature and clinical evidence are not sufficient to establish a definitive association between this variant and the reported condition. Therefore, this variant is classified as a variant of uncertain significance.

Ambry Genetics
Classification: Uncertain significance for Hereditary cancer-predisposing syndrome. Last evaluated: 2025-06-08. Review status: criteria provided, single submitter. Criteria: Ambry Variant Classification Scheme 2023. Collection method: clinical testing. Allele origin: germline.
Comment: The p.H1384R variant (also known as c.4151A>G), located in coding exon 27 of the ATM gene, results from an A to G substitution at nucleotide position 4151. The histidine at codon 1384 is replaced by arginine, an amino acid with highly similar properties. This amino acid position is well conserved in available vertebrate species. In addition, this alteration is predicted to be tolerated by in silico analysis. Since supporting evidence is limited at this time, the clinical significance of this alteration remains unclear.

Labcorp Genetics (formerly Invitae), Labcorp
Classification: Uncertain significance for Ataxia-telangiectasia syndrome. Last evaluated: 2024-12-10. Review status: criteria provided, single submitter. Criteria: Invitae Variant Classification Sherloc (09022015). Collection method: clinical testing. Allele origin: germline.
Comment: This sequence change replaces histidine, which is basic and polar, with arginine, which is basic and polar, at codon 1384 of the ATM protein (p.His1384Arg). This variant is not present in population databases (gnomAD no frequency). This variant has not been reported in the literature in individuals affected with ATM-related conditions. ClinVar contains an entry for this variant (Variation ID: 231391). Invitae Evidence Modeling of protein sequence and biophysical properties (such as structural, functional, and spatial information, amino acid conservation, physicochemical variation, residue mobility, and thermodynamic stability) indicates that this missense variant is not expected to disrupt ATM protein function with a negative predictive value of 95%. In summary, the available evidence is currently insufficient to determine the role of this variant in disease. Therefore, it has been classified as a Variant of Uncertain Significance.

Color Diagnostics, LLC DBA Color Health
Classification: Uncertain significance for Hereditary cancer-predisposing syndrome. Last evaluated: 2024-04-15. Review status: criteria provided, single submitter. Criteria: ACMG Guidelines, 2015. Collection method: clinical testing. Allele origin: germline.
Comment: This missense variant replaces histidine with arginine at codon 1384 of the ATM protein. Computational prediction suggests that this variant may not impact protein structure and function. To our knowledge, functional studies have not been reported for this variant. This variant has not been reported in individuals affected with ATM-related disorders in the literature. This variant has been identified in 1/251298 chromosomes in the general population by the Genome Aggregation Database (gnomAD). The available evidence is insufficient to determine the role of this variant in disease conclusively. Therefore, this variant is classified as a Variant of Uncertain Significance.

Mendelics
Classification: Uncertain significance for Ataxia-telangiectasia syndrome. Last evaluated: 2018-07-02. Review status: criteria provided, single submitter. Criteria: Mendelics Assertion Criteria 2017. Collection method: clinical testing. Allele origin: unknown.

Natera, Inc.
Classification: Uncertain significance for Ataxia-telangiectasia. Last evaluated: 2021-10-11. Review status: no assertion criteria provided. Collection method: clinical testing. Allele origin: germline. Not counted in ClinVar's aggregate classification.

NM_000051.4(ATM):c.4151A>G (p.His1384Arg)

Gene: ATM (ATM serine/threonine kinase; plus strand). Cytogenetic location: 11q22.3.
Variant type: single nucleotide variant.
Coding change: c.4151A>G on transcript NM_000051.4 (MANE Select); coding-DNA position 4151, A replaced by G.
Protein change: p.His1384Arg; replaces histidine 1384 with arginine.
Molecular consequence: missense variant.
Genome position (GRCh38, 1-based): chr11:108,289,018, A>G. VCF-style: chr11-108289018-A-G. GRCh37 (hg19) VCF-style: chr11-108159745-A-G.
Other names: c.4151A>G, p.His1384Arg (NM_001351834.2); short protein forms H1384R.
Identifiers: ClinVar variation 231391 (VCV000231391.27), dbSNP rs757172522, ClinGen allele CA6265410.